The following is an entry in ClinVar:

ClinVar aggregate classification (germline): Conflicting classifications of pathogenicity. Review status: criteria provided, conflicting classifications (1 of 4 stars). 11 submissions from 11 submitters: Uncertain significance (7); Likely benign (1). 3 of the submissions do not count toward it. Last evaluated 2025-12-01.

Conditions:
Primary ciliary dyskinesia. Also called: Ciliary dyskinesia. Identifiers: Orphanet 244, MedGen C0008780, MONDO:0016575, HP:0012265.
Infertility disorder. Also called: Infertility. Identifiers: MedGen C0021359, MeSH D007246, MONDO:0005047, HP:0000789.
Primary ciliary dyskinesia 3. Identifiers: Orphanet 244, MedGen C1837618, MONDO:0012085, OMIM 608644.

Allele frequency attached by ClinVar (database versions not stated): 1000 Genomes Project 30x 0.00016; ExAC 0.00012; gnomAD 0.00029; gnomAD exomes 0.00010; 1000 Genomes Project 0.00020; ESP Exome Variant Server 0.00038; TOPMed 0.00035.
gnomAD v4.1: 265 of 1,613,878 alleles (0.016%); highest among the groups gnomAD compares: Middle Eastern, 0.16%; no homozygotes.

Submissions (11):

Labcorp Genetics (formerly Invitae), Labcorp
Classification: Likely benign for Primary ciliary dyskinesia. Last evaluated: 2025-12-01. Review status: criteria provided, single submitter. Criteria: Invitae Variant Classification Sherloc (09022015). Collection method: clinical testing. Allele origin: germline.

Molecular Genetics McLendon Clinical Laboratories, University of North Carolina at Chapel Hill
Classification: Uncertain significance for Primary ciliary dyskinesia. Last evaluated: 2025-10-24. Review status: criteria provided, single submitter. Criteria: ACMG Guidelines, 2015. Collection method: clinical testing. Allele origin: germline.

Ambry Genetics
Classification: Uncertain significance for Primary ciliary dyskinesia. Last evaluated: 2025-06-13. Review status: criteria provided, single submitter. Criteria: Ambry Variant Classification Scheme 2023. Collection method: clinical testing. Allele origin: germline.
Comment: The p.R1805C variant (also known as c.5413C>T), located in coding exon 33 of the DNAH5 gene, results from a C to T substitution at nucleotide position 5413. The arginine at codon 1805 is replaced by cysteine, an amino acid with highly dissimilar properties. This amino acid position is highly conserved in available vertebrate species. In addition, this alteration is predicted to be deleterious by in silico analysis. Based on the available evidence, the clinical significance of this variant remains unclear.

Blueprint Genetics
Classification: Uncertain significance. Last evaluated: 2024-11-26. Review status: criteria provided, single submitter. Criteria: ACMG Guidelines, 2015. Collection method: clinical testing. Allele origin: germline.

Mayo Clinic Laboratories, Mayo Clinic
Classification: Uncertain significance. Last evaluated: 2024-05-02. Review status: criteria provided, single submitter. Criteria: ACMG Guidelines, 2015. Collection method: clinical testing. Allele origin: germline. Observed: 1 variant allele.

CeGaT Center for Human Genetics Tuebingen
Classification: Uncertain significance. Last evaluated: 2023-06-01. Review status: criteria provided, single submitter. Criteria: CeGaT Center For Human Genetics Tuebingen Variant Classification Criteria Version 2. Collection method: clinical testing. Allele origin: germline. Affected: yes. Observed: 1 variant allele.

Revvity Omics, Revvity
Classification: Uncertain significance for Primary ciliary dyskinesia 3. Last evaluated: 2022-07-13. Review status: criteria provided, single submitter. Criteria: ACMG Guidelines, 2015. Collection method: clinical testing. Allele origin: germline.

Illumina Laboratory Services, Illumina
Classification: Uncertain significance for Primary ciliary dyskinesia 3. Last evaluated: 2018-01-13. Review status: criteria provided, single submitter. Criteria: ICSL Variant Classification Criteria 13 December 2019. Collection method: clinical testing. Allele origin: germline.

Natera, Inc.
Classification: Uncertain significance for Primary ciliary dyskinesia. Last evaluated: 2020-01-06. Review status: no assertion criteria provided. Collection method: clinical testing. Allele origin: germline. Not counted in ClinVar's aggregate classification.

Counsyl
Classification: Uncertain significance for Primary ciliary dyskinesia 3. Last evaluated: 2017-10-16. Review status: no assertion criteria provided. Collection method: clinical testing. Allele origin: unknown. Not counted in ClinVar's aggregate classification.

MAGI's Lab - Research, MAGI Group
Classification: Uncertain significance for Infertility disorder. Review status: no assertion criteria provided. Collection method: provider interpretation. Allele origin: germline. Affected: yes. Not counted in ClinVar's aggregate classification.

Literature cited by the submitters: PubMed 35626283 (cited by Mayo Clinic Laboratories, Mayo Clinic).

NM_001369.3(DNAH5):c.5413C>T (p.Arg1805Cys)

Gene: DNAH5 (dynein axonemal heavy chain 5; minus strand). Cytogenetic location: 5p15.2.
Variant type: single nucleotide variant.
Coding change: c.5413C>T on transcript NM_001369.3 (MANE Select); coding-DNA position 5413, C replaced by T.
Protein change: p.Arg1805Cys; replaces arginine 1805 with cysteine.
Molecular consequence: missense variant.
Genome position (GRCh38, 1-based): chr5:13,841,763, G>A on the plus strand (C>T on the coding strand, the complement: DNAH5 is on the minus strand). VCF-style: chr5-13841763-G-A. GRCh37 (hg19) VCF-style: chr5-13841872-G-A.
Other names: p.Arg1805Cys; short protein forms R1805C.
Identifiers: ClinVar variation 238981 (VCV000238981.52), dbSNP rs142155986, ClinGen allele CA3203683.